The following is an entry in ClinVar:

NM_001110556.2(FLNA):c.619C>T (p.Pro207Ser)

Gene: FLNA (filamin A; minus strand). Cytogenetic location: Xq28.
Variant type: single nucleotide variant.
Coding change: c.619C>T on transcript NM_001110556.2 (MANE Select); coding-DNA position 619, C replaced by T.
Protein change: p.Pro207Ser; replaces proline 207 with serine.
Molecular consequence: missense variant.
Genome position (GRCh38, 1-based): chrX:154,367,845, G>A on the plus strand (C>T on the coding strand, the complement: FLNA is on the minus strand). VCF-style: chrX-154367845-G-A. GRCh37 (hg19) VCF-style: chrX-153596213-G-A.
Other names: c.619C>T, p.Pro207Ser (NM_001456.4); short protein forms P207S.
Identifiers: ClinVar variation 652826 (VCV000652826.10), dbSNP rs1603363256, ClinGen allele CA415248968.

ClinVar aggregate classification (germline): Uncertain significance (1 of 4 stars; one submission).

Conditions:
Frontometaphyseal dysplasia (FMD1). Identifiers: Orphanet 1826, MedGen C0265293, MONDO:0015942.
Oto-palato-digital syndrome, type II (OPD2). Also called: FACIOPALATOOSSEOUS SYNDROME; Otopalatodigital Syndrome, Type II; Otopalatodigital Syndrome Type 2 (FLNA-OPD2); OPD II SYNDROME. Identifiers: Orphanet 669, Orphanet 90652, MedGen C1844696, MONDO:0010571, OMIM 304120.
Heterotopia, periventricular, X-linked dominant (PVNH1). Also called: PERIVENTRICULAR NODULAR HETEROTOPIA 4; HETEROTOPIA, PERIVENTRICULAR, 1; PERIVENTRICULAR NODULAR HETEROTOPIA 1; X-linked periventricular heterotopia. Identifiers: Orphanet 2149, Orphanet 82004, MedGen C1848213, MONDO:0010233, OMIM 300049.
Melnick-Needles syndrome (MNS). Also called: Melnick-Needles Syndrome (FLNA-MNS); MELNICK-NEEDLES OSTEODYSPLASTY; OSTEODYSPLASTY OF MELNICK AND NEEDLES. Identifiers: Orphanet 2484, MedGen C0025237, MONDO:0010650, OMIM 309350.

Submission:

Labcorp Genetics (formerly Invitae), Labcorp
Classification: Uncertain significance for Oto-palato-digital syndrome, type II; Heterotopia, periventricular, X-linked dominant; Frontometaphyseal dysplasia; Melnick-Needles syndrome. Last evaluated: 2024-04-29. Review status: criteria provided, single submitter. Criteria: Invitae Variant Classification Sherloc (09022015). Collection method: clinical testing. Allele origin: germline.
Comment: This sequence change replaces proline, which is neutral and non-polar, with serine, which is neutral and polar, at codon 207 of the FLNA protein (p.Pro207Ser). This variant is not present in population databases (gnomAD no frequency). This variant has not been reported in the literature in individuals affected with FLNA-related conditions. ClinVar contains an entry for this variant (Variation ID: 652826). Advanced modeling of protein sequence and biophysical properties (such as structural, functional, and spatial information, amino acid conservation, physicochemical variation, residue mobility, and thermodynamic stability) has been performed at Invitae for this missense variant, however the output from this modeling did not meet the statistical confidence thresholds required to predict the impact of this variant on FLNA protein function. This variant disrupts the p.Pro207 amino acid residue in FLNA. Other variant(s) that disrupt this residue have been determined to be pathogenic (PMID: 3265608, 6019437, 12612583, 16538226). This suggests that this residue is clinically significant, and that variants that disrupt this residue are likely to be disease-causing. In summary, the available evidence is currently insufficient to determine the role of this variant in disease. Therefore, it has been classified as a Variant of Uncertain Significance.

Literature cited by the submitters: PubMed 3265608; PubMed 6019437; PubMed 12612583; PubMed 16538226.